The following is an entry in ClinVar:

NM_013352.4(DSE):c.1612C>T (p.Arg538Ter)

Gene: DSE (dermatan sulfate epimerase; plus strand). Cytogenetic location: 6q22.1.
Variant type: single nucleotide variant.
Coding change: c.1612C>T on transcript NM_013352.4 (MANE Select); coding-DNA position 1612, C replaced by T.
Protein change: p.Arg538Ter; replaces arginine 538 with a stop codon.
Molecular consequence: nonsense. On other transcripts: 3 prime UTR variant (2), non-coding transcript variant (1).
Genome position (GRCh38, 1-based): chr6:116,436,080, C>T. VCF-style: chr6-116436080-C-T. GRCh37 (hg19) VCF-style: chr6-116757243-C-T.
Other names: c.1612C>T, p.Arg538Ter (NM_001080976.3, NM_001322937.2, NM_001322938.2); c.1669C>T, p.Arg557Ter (NM_001322939.2); c.1051C>T, p.Arg351Ter (NM_001322940.2, NM_001322941.2); c.*477C>T (NM_001322943.2, NM_001322944.2); c.613C>T, p.Arg205Ter (NM_001374520.1); c.577C>T, p.Arg193Ter (NM_001374521.1); short protein forms R193*, R205*, R351*, R538*, R557*.
Identifiers: ClinVar variation 4855882 (VCV004855882.1).

ClinVar aggregate classification (germline): Likely pathogenic (1 of 4 stars; one submission).

Conditions:
Ehlers-Danlos syndrome, musculocontractural type 2 (EDSMC2). Identifiers: Orphanet 2953, MedGen C3809845, MONDO:0014236, OMIM 615539.

Submission:

3billion
Classification: Likely pathogenic for Ehlers-Danlos syndrome, musculocontractural type 2. Last evaluated: 2025-11-14. Review status: criteria provided, single submitter. Criteria: ACMG Guidelines, 2015. Collection method: clinical testing. Allele origin: germline. Affected: yes.
Comment: The variant is observed at an extremely low frequency in the gnomAD v4.1.0 dataset (total allele frequency: <0.001%). Predicted Consequence/Location: Stop-gained (nonsense): predicted to result in a loss or disruption of normal protein function through protein truncation. The predicted truncated protein may be shortened by more than 10%. Therefore, this variant is classified as Likely pathogenic according to the recommendation of ACMG/AMP guideline.